The following is an entry in ClinVar:

NM_004304.5(ALK):c.1034G>T (p.Cys345Phe)

Gene: ALK (ALK receptor tyrosine kinase; minus strand). Cytogenetic location: 2p23.2.
Variant type: single nucleotide variant.
Coding change: c.1034G>T on transcript NM_004304.5 (MANE Select); coding-DNA position 1034, G replaced by T.
Protein change: p.Cys345Phe; replaces cysteine 345 with phenylalanine.
Molecular consequence: missense variant.
Genome position (GRCh38, 1-based): chr2:29,532,035, C>A on the plus strand (G>T on the coding strand, the complement: ALK is on the minus strand). VCF-style: chr2-29532035-C-A. GRCh37 (hg19) VCF-style: chr2-29754901-C-A.
Other names: short protein forms C345F.
Identifiers: ClinVar variation 2749956 (VCV002749956.3), dbSNP rs1558370551, ClinGen allele CA346587409.

ClinVar aggregate classification (germline): Uncertain significance (1 of 4 stars; one submission).

Conditions:
Neuroblastoma, susceptibility to, 3. Also called: ALK-Related Neuroblastic Tumor Susceptibility. Identifiers: Orphanet 635, MedGen C2751681, MONDO:0013083, OMIM 613014.

Submission:

Labcorp Genetics (formerly Invitae), Labcorp
Classification: Uncertain significance for Neuroblastoma, susceptibility to, 3. Last evaluated: 2023-08-04. Review status: criteria provided, single submitter. Criteria: Invitae Variant Classification Sherloc (09022015). Collection method: clinical testing. Allele origin: germline.
Comment: In summary, the available evidence is currently insufficient to determine the role of this variant in disease. Therefore, it has been classified as a Variant of Uncertain Significance. An algorithm developed to predict the effect of missense changes on protein structure and function (PolyPhen-2) suggests that this variant is likely to be disruptive. This variant has not been reported in the literature in individuals affected with ALK-related conditions. This variant is not present in population databases (gnomAD no frequency). This sequence change replaces cysteine, which is neutral and slightly polar, with phenylalanine, which is neutral and non-polar, at codon 345 of the ALK protein (p.Cys345Phe).